The following is an entry in ClinVar:

ClinVar aggregate classification (germline): Benign (1 of 4 stars; one submission).

Allele frequency attached by ClinVar (database versions not stated): TOPMed 0.00017; gnomAD 0.00057; 1000 Genomes Project 0.00499; 1000 Genomes Project 30x 0.00500.

Submission:

CeGaT Center for Human Genetics Tuebingen
Classification: Benign. Last evaluated: 2022-07-01. Review status: criteria provided, single submitter. Criteria: CeGaT Center For Human Genetics Tuebingen Variant Classification Criteria Version 2. Collection method: clinical testing. Allele origin: germline. Affected: yes. Observed: 1 variant allele.
Comment: KCNQ2: BS1, BS2

NM_172107.4(KCNQ2):c.297-12232G>A

Gene: KCNQ2 (potassium voltage-gated channel subfamily Q member 2; minus strand). Cytogenetic location: 20q13.33.
Variant type: single nucleotide variant.
Coding change: c.297-12232G>A on transcript NM_172107.4 (MANE Select); 12232 bases into the intron before coding-DNA position 297, G replaced by A.
Molecular consequence: intron variant.
Genome position (GRCh38, 1-based): chr20:63,459,069, C>T on the plus strand (G>A on the coding strand, the complement: KCNQ2 is on the minus strand). VCF-style: chr20-63459069-C-T. GRCh37 (hg19) VCF-style: chr20-62090422-C-T.
Other names: c.297-12232G>A (NM_004518.6, NM_172108.5, NM_172106.3 and 2 more transcripts).
Identifiers: ClinVar variation 2652536 (VCV002652536.24), dbSNP rs370572450, ClinGen allele CA317475292.